The following is an entry in ClinVar:

NM_014629.4(ARHGEF10):c.421C>G (p.Leu141Val)

Gene: ARHGEF10 (Rho guanine nucleotide exchange factor 10; plus strand). Cytogenetic location: 8p23.3.
Variant type: single nucleotide variant.
Coding change: c.421C>G on transcript NM_014629.4 (MANE Select); coding-DNA position 421, C replaced by G.
Protein change: p.Leu141Val; replaces leucine 141 with valine.
Molecular consequence: missense variant.
Genome position (GRCh38, 1-based): chr8:1,860,124, C>G. VCF-style: chr8-1860124-C-G. GRCh37 (hg19) VCF-style: chr8-1808290-C-G.
Other names: c.421C>G, p.Leu141Val (NM_001308152.2, NM_001308153.3); short protein forms L165V, L141V.
Identifiers: ClinVar variation 1956544 (VCV001956544.5), dbSNP rs770934547, ClinGen allele CA4599750.

ClinVar aggregate classification (germline): Uncertain significance (1 of 4 stars; one submission).

Allele frequency attached by ClinVar (database versions not stated): TOPMed 0.00001; ExAC 0.00004.
gnomAD v4.1: 15 of 1,614,080 alleles (0.00093%); highest among the groups gnomAD compares: Non-Finnish European, 0.00085%; no homozygotes.

Submission:

Labcorp Genetics (formerly Invitae), Labcorp
Classification: Uncertain significance. Last evaluated: 2022-11-08. Review status: criteria provided, single submitter. Criteria: Invitae Variant Classification Sherloc (09022015). Collection method: clinical testing. Allele origin: germline.
Comment: In summary, the available evidence is currently insufficient to determine the role of this variant in disease. Therefore, it has been classified as a Variant of Uncertain Significance. Algorithms developed to predict the effect of missense changes on protein structure and function output the following: SIFT: "Tolerated"; PolyPhen-2: "Benign"; Align-GVGD: "Class C0". The valine amino acid residue is found in multiple mammalian species, which suggests that this missense change does not adversely affect protein function. This variant has not been reported in the literature in individuals affected with ARHGEF10-related conditions. This variant is present in population databases (rs770934547, gnomAD 0.005%). This sequence change replaces leucine, which is neutral and non-polar, with valine, which is neutral and non-polar, at codon 141 of the ARHGEF10 protein (p.Leu141Val).